The following is an entry in ClinVar:

ClinVar aggregate classification (germline): Likely benign. Review status: criteria provided, single submitter (1 of 4 stars). 2 submissions from 2 submitters: Likely benign (1). 1 of the submissions does not count toward it. Last evaluated 2017-11-10.

Conditions:
RIN2-related disorder. Also called: RIN2-related condition.

Submissions (2):

Labcorp Genetics (formerly Invitae), Labcorp
Classification: Likely benign. Last evaluated: 2017-11-10. Review status: criteria provided, single submitter. Criteria: Invitae Variant Classification Sherloc (09022015). Collection method: clinical testing. Allele origin: germline.

PreventionGenetics, part of Exact Sciences
Classification: Likely benign for RIN2-related condition. Last evaluated: 2023-11-28. Review status: no assertion criteria provided. Collection method: clinical testing. Allele origin: germline. Not counted in ClinVar's aggregate classification.
Comment: This variant is classified as likely benign based on ACMG/AMP sequence variant interpretation guidelines (Richards et al. 2015 PMID: 25741868, with internal and published modifications).

NM_018993.4(RIN2):c.936G>C (p.Pro312=)

Gene: RIN2 (Ras and Rab interactor 2; plus strand). Cytogenetic location: 20p11.23.
Variant type: single nucleotide variant.
Coding change: c.936G>C on transcript NM_018993.4 (MANE Select); coding-DNA position 936, G replaced by C.
Protein change: p.Pro312=; no amino-acid change (proline 312 retained).
Molecular consequence: synonymous variant.
Genome position (GRCh38, 1-based): chr20:19,974,961, G>C. VCF-style: chr20-19974961-G-C. GRCh37 (hg19) VCF-style: chr20-19955605-G-C.
Other names: c.1083G>C, p.Pro361= (NM_001242581.2); c.318G>C, p.Pro106= (NM_001378238.1).
Identifiers: ClinVar variation 695546 (VCV000695546.5), dbSNP rs1204875480, ClinGen allele CA510156883.
Genomic context (GRCh38, chr20:19,974,961, plus strand): 5'-CACAAGGACTCCCAACGCGAATGGCACGGAGCGGACTCGGTCCCCCCCACCCAGGCCCCC[G>C]CCACCCGCTATTAATAGTCTCCACACAAGCCCTCGGCTGGCCAGGACTGAAACCCAGACG-3'
Protein context (NP_061866.1, residues 302-322): ERTRSPPPRP[Pro312=]PPAINSLHTS